The following is an entry in ClinVar:

NM_001127222.2(CACNA1A):c.1198+318G>A

Gene: CACNA1A (calcium voltage-gated channel subunit alpha1 A; minus strand). Cytogenetic location: 19p13.13.
Variant type: single nucleotide variant.
Coding change: c.1198+318G>A on transcript NM_001127222.2 (MANE Select); 318 bases into the intron after coding-DNA position 1198, G replaced by A.
Molecular consequence: intron variant.
Genome position (GRCh38, 1-based): chr19:13,334,060, C>T on the plus strand (G>A on the coding strand, the complement: CACNA1A is on the minus strand). VCF-style: chr19-13334060-C-T. GRCh37 (hg19) VCF-style: chr19-13444874-C-T.
Other names: c.1198+318G>A (NM_001127221.2, NM_001174080.2, NM_000068.4 and 1 more transcripts).
Identifiers: ClinVar variation 668029 (VCV000668029.2), dbSNP rs4926149, ClinGen allele CA14670631.
Genomic context (GRCh38, chr19:13,334,060, plus strand): 5'-AAGTGACTCAGCTGAGATTATTTTACTAAATACTCCAATAGTACTATGACTTAGGCACTA[C>T]CATCGCCTCCATGTAACAGCTGAGGAAACGGAGGTACAGGGATGTGTGGTGCATGGGTAA-3'

ClinVar aggregate classification (germline): Benign. Review status: criteria provided, multiple submitters, no conflicts (2 of 4 stars). 2 submissions from 2 submitters: Benign (2). Last evaluated 2018-06-18.

Allele frequency attached by ClinVar (database versions not stated): gnomAD 0.64397 and 0.64766; TOPMed 0.64508; gnomAD exomes 0.64539; 1000 Genomes Project 0.64597; 1000 Genomes Project 30x 0.65022.
gnomAD v4.1: 179,492 of 277,536 alleles (65%); highest among the groups gnomAD compares: Admixed American, 74%; 58,716 homozygotes.

Submissions (2):

GeneDx
Classification: Benign. Last evaluated: 2018-06-18. Review status: criteria provided, single submitter. Criteria: GeneDx Variant Classification (06012015). Collection method: clinical testing. Allele origin: germline. Affected: yes.
Comment: This variant is considered likely benign or benign based on one or more of the following criteria: it is a conservative change, it occurs at a poorly conserved position in the protein, it is predicted to be benign by multiple in silico algorithms, and/or has population frequency not consistent with disease.

Breakthrough Genomics
Classification: Benign. Review status: criteria provided, single submitter. Criteria: ACMG Guidelines, 2015. Collection method: not provided. Allele origin: germline. Inheritance: Autosomal dominant inheritance. Affected: yes.